The following is an entry in ClinVar:

NM_001128228.3(TPRN):c.1835_1864del (p.Glu612_Glu621del)

Gene: TPRN (taperin; minus strand). Cytogenetic location: 9q34.3.
Variant type: Deletion.
Coding change: c.1835_1864del on transcript NM_001128228.3 (MANE Select); coding-DNA positions 1835 to 1864, 30 bases deleted (AGGAGGAGGAAGAGGAAGAGGAGGAAGAGG).
Protein change: p.Glu612_Glu621del.
Genome position (GRCh38, 1-based): chr9:137,192,553-137,192,582, CCTCTTCCTCCTCTTCCTCTTCCTCCTCCT deleted on the plus strand (AGGAGGAGGAAGAGGAAGAGGAGGAAGAGG on the coding strand, the reverse complement: TPRN is on the minus strand); deleting any 30 consecutive bases within chr9:137,192,553-137,192,586 gives the same sequence; the c. name uses the placement nearest the transcript's 3' end. VCF-style (leftmost placement, unchanged base first): chr9-137192552-CCCTCTTCCTCCTCTTCCTCTTCCTCCTCCT-C. GRCh37 (hg19) VCF-style: chr9-140087004-CCCTCTTCCTCCTCTTCCTCTTCCTCCTCCT-C.
Identifiers: ClinVar variation 3906552 (VCV003906552.2).

ClinVar aggregate classification (germline): Uncertain significance (1 of 4 stars; one submission).

Submission:

GeneDx
Classification: Uncertain significance. Last evaluated: 2025-10-22. Review status: criteria provided, single submitter. Criteria: GeneDx Variant Classification Process June 2021. Collection method: clinical testing. Allele origin: germline.
Comment: Not observed at significant frequency in large population cohorts (gnomAD); In-frame deletion of 10 amino acids in a non-repeat region; In silico analysis suggests that this variant does not alter protein structure/function; Has not been previously published as pathogenic or benign to our knowledge